The following is an entry in ClinVar:

NM_001113378.2(FANCI):c.507G>A (p.Trp169Ter)

Gene: FANCI (FA complementation group I; plus strand). Cytogenetic location: 15q26.1.
Variant type: single nucleotide variant.
Coding change: c.507G>A on transcript NM_001113378.2 (MANE Select); coding-DNA position 507, G replaced by A.
Protein change: p.Trp169Ter; replaces tryptophan 169 with a stop codon.
Molecular consequence: nonsense.
Genome position (GRCh38, 1-based): chr15:89,263,422, G>A. VCF-style: chr15-89263422-G-A. GRCh37 (hg19) VCF-style: chr15-89806653-G-A.
Other names: c.228G>A, p.Trp76Ter (NM_001376910.1); c.507G>A, p.Trp169Ter (NM_001376911.1, NM_018193.3); short protein forms W169*, W76*.
Identifiers: ClinVar variation 238329 (VCV000238329.3), dbSNP rs878854181, ClinGen allele CA10583263.

ClinVar aggregate classification (germline): Pathogenic (1 of 4 stars; one submission).

Conditions:
Fanconi anemia (FA). Also called: Fanconi's anemia. Identifiers: Orphanet 84, MedGen C0015625, MeSH D005199, MONDO:0019391.

Allele frequency attached by ClinVar (database versions not stated): gnomAD exomes below 0.00001.
gnomAD v4.1: 1 of 1,612,190 alleles (0.000062%); highest among the groups gnomAD compares: Non-Finnish European, 0.000085%; no homozygotes.

Submission:

Labcorp Genetics (formerly Invitae), Labcorp
Classification: Pathogenic for Fanconi anemia. Last evaluated: 2023-01-16. Review status: criteria provided, single submitter. Criteria: Invitae Variant Classification Sherloc (09022015). Collection method: clinical testing. Allele origin: germline.
Comment: For these reasons, this variant has been classified as Pathogenic. ClinVar contains an entry for this variant (Variation ID: 238329). This variant has not been reported in the literature in individuals affected with FANCI-related conditions. This variant is not present in population databases (gnomAD no frequency). This sequence change creates a premature translational stop signal (p.Trp169*) in the FANCI gene. It is expected to result in an absent or disrupted protein product. Loss-of-function variants in FANCI are known to be pathogenic (PMID: 17452773, 17460694).

Literature cited by the submitters: PubMed 17452773; PubMed 17460694.